The following is an entry in ClinVar:

NM_020778.5(ALPK3):c.3487G>A (p.Ala1163Thr)

Gene: ALPK3 (alpha kinase 3; plus strand). Cytogenetic location: 15q25.3.
Variant type: single nucleotide variant.
Coding change: c.3487G>A on transcript NM_020778.5 (MANE Select); coding-DNA position 3487, G replaced by A.
Protein change: p.Ala1163Thr; replaces alanine 1163 with threonine.
Molecular consequence: missense variant.
Genome position (GRCh38, 1-based): chr15:84,858,225, G>A. VCF-style: chr15-84858225-G-A. GRCh37 (hg19) VCF-style: chr15-85401456-G-A.
Other names: short protein forms A1163T.
Identifiers: ClinVar variation 1476612 (VCV001476612.11), dbSNP rs372770939, ClinGen allele CA7709646.
Genomic context (GRCh38, chr15:84,858,225, plus strand): 5'-TTCCCAGGGGAGGCTCTGACAGGTCTCCCGGCAGCTACACCTGAGGAACTGGCTCTAGGG[G>A]CCCGGAGGAAGAGATTTCTCCCTAAGGTCAGAGCAGCAGGAGACGGGGAGGCAACCACAC-3'
Protein context (NP_065829.4, residues 1153-1173): AATPEELALG[Ala1163Thr]RRKRFLPKVR

ClinVar aggregate classification (germline): Uncertain significance. Review status: criteria provided, multiple submitters, no conflicts (2 of 4 stars). 2 submissions from 2 submitters: Uncertain significance (2). Last evaluated 2025-12-14.

Conditions:
Cardiovascular phenotype. Identifiers: MedGen CN230736.

Submissions (2):

Labcorp Genetics (formerly Invitae), Labcorp
Classification: Uncertain significance. Last evaluated: 2025-12-14. Review status: criteria provided, single submitter. Criteria: Invitae Variant Classification Sherloc (09022015). Collection method: clinical testing. Allele origin: germline.
Comment: This sequence change replaces alanine, which is neutral and non-polar, with threonine, which is neutral and polar, at codon 1365 of the ALPK3 protein (p.Ala1365Thr). The frequency data for this variant in the population databases is considered unreliable, as metrics indicate poor data quality at this position in the gnomAD database. This variant has not been reported in the literature in individuals affected with ALPK3-related conditions. ClinVar contains an entry for this variant (Variation ID: 1476612). Invitae Evidence Modeling of protein sequence and biophysical properties (such as structural, functional, and spatial information, amino acid conservation, physicochemical variation, residue mobility, and thermodynamic stability) indicates that this missense variant is expected to disrupt ALPK3 protein function with a positive predictive value of 80%. In summary, the available evidence is currently insufficient to determine the role of this variant in disease. Therefore, it has been classified as a Variant of Uncertain Significance.

Ambry Genetics
Classification: Uncertain significance for Cardiovascular phenotype. Last evaluated: 2025-08-11. Review status: criteria provided, single submitter. Criteria: Ambry Variant Classification Scheme 2023. Collection method: clinical testing. Allele origin: germline.